The following is an entry in ClinVar:

ClinVar aggregate classification (germline): Conflicting classifications of pathogenicity. Review status: criteria provided, conflicting classifications (1 of 4 stars). 3 submissions from 3 submitters: Likely pathogenic (2); Uncertain significance (1). Last evaluated 2021-07-06.

Conditions:
GATA2 deficiency with susceptibility to MDS/AML. Identifiers: MedGen CN300066, MONDO:0042982.
Deafness-lymphedema-leukemia syndrome. Also called: Emberger syndrome; Lymphedema, primary, with myelodysplasia. Identifiers: Orphanet 3226, MedGen C3279664, MONDO:0013540, OMIM 614038.
Leukemia, acute myeloid, susceptibility to. Identifiers: MedGen C3275959, MONDO:0100173.

Submissions (3):

Molecular Pathology Research Laboratory, SA Pathology
Classification: Likely pathogenic for GATA2 deficiency with susceptibility to MDS/AML; Deafness-lymphedema-leukemia syndrome. Last evaluated: 2021-07-06. Review status: criteria provided, single submitter. Criteria: ACMG Guidelines, 2015. Collection method: curation. Allele origin: germline. Inheritance: Autosomal dominant inheritance. Affected: yes. Observed: 1 variant allele.
Comment: PS3, PS4_Supporting, PM2, PP3

PreventionGenetics, part of Exact Sciences
Classification: Uncertain significance. Last evaluated: 2016-01-05. Review status: criteria provided, single submitter. Criteria: ACMG Guidelines, 2015. Collection method: clinical testing. Allele origin: germline.

Genetic Services Laboratory, University of Chicago
Classification: Likely pathogenic for Leukemia, acute myeloid, susceptibility to. Last evaluated: 2014-11-07. Review status: criteria provided, single submitter. Criteria: ACMG Guidelines, 2015. Collection method: clinical testing. Allele origin: germline. Affected: yes.

Literature cited by the submitters: PubMed 28104920 (cited by Molecular Pathology Research Laboratory, SA Pathology); PubMed 29365323 (cited by Molecular Pathology Research Laboratory, SA Pathology).

NM_032638.5(GATA2):c.857C>T (p.Ala286Val)

Gene: GATA2 (GATA binding protein 2; minus strand). Cytogenetic location: 3q21.3.
Variant type: single nucleotide variant.
Coding change: c.857C>T on transcript NM_032638.5 (MANE Select); coding-DNA position 857, C replaced by T.
Protein change: p.Ala286Val; replaces alanine 286 with valine.
Molecular consequence: missense variant.
Genome position (GRCh38, 1-based): chr3:128,485,741, G>A on the plus strand (C>T on the coding strand, the complement: GATA2 is on the minus strand). VCF-style: chr3-128485741-G-A. GRCh37 (hg19) VCF-style: chr3-128204584-G-A.
Other names: c.857C>T, p.Ala286Val (NM_001145661.2, NM_001145662.1); short protein forms A286V.
Identifiers: ClinVar variation 211062 (VCV000211062.9), dbSNP rs797045592, ClinGen allele CA207231.
Genomic context (GRCh38, chr3:128,485,741, plus strand): 5'-CGCAAATGCTCCCCTCTTCCACGAAGTCCCCAGCACCTGCCTTTACCTGAACAGGAACGA[G>A]CCTTGCTGCGCTGCTTAGGGGTGAAGCTGGAGGCCGGTCCCCCCAGGAAGCCTCCGGGGT-3'
Protein context (NP_116027.2, residues 276-296): SSFTPKQRSK[Ala286Val]RSCSEGRECV